The following is an entry in ClinVar:

NM_000275.3(OCA2):c.2338+1G>T

Gene: OCA2 (OCA2 melanosomal transmembrane protein; minus strand). Cytogenetic location: 15q13.1.
Variant type: single nucleotide variant.
Coding change: c.2338+1G>T on transcript NM_000275.3 (MANE Select); the canonical splice donor site of the intron after coding-DNA position 2338, G replaced by T.
Molecular consequence: splice donor variant.
Genome position (GRCh38, 1-based): chr15:27,851,381, C>A on the plus strand (G>T on the coding strand, the complement: OCA2 is on the minus strand). VCF-style: chr15-27851381-C-A. GRCh37 (hg19) VCF-style: chr15-28096527-C-A.
Other names: c.2266+1G>T (NM_001300984.2).
Identifiers: ClinVar variation 1439928 (VCV001439928.10), dbSNP rs770635415, ClinGen allele CA7438633.
Genomic context (GRCh38, chr15:27,851,381, plus strand): 5'-TTTGGGCTGAACCACAGTGTGGGCGTGCACCCCCACCCCCATGCAGTCAGCAGCCCCTTA[C>A]CTCCCAGGCAAGCACCGAAGGCCAGGGCATACATGAGCGGCGGTGCGGGCAGGCCAACCT-3'

ClinVar aggregate classification (germline): Pathogenic. Review status: criteria provided, multiple submitters, no conflicts (2 of 4 stars). 5 submissions from 5 submitters: Pathogenic (5). Last evaluated 2025-01-21.

Conditions:
OCA2-related disorder. Also called: OCA2-related condition.
SKIN/HAIR/EYE PIGMENTATION 1, BLUE/NONBLUE EYES (SHEP1). Also called: SKIN/HAIR/EYE PIGMENTATION 1, BLOND/BROWN HAIR; SKIN/HAIR/EYE PIGMENTATION 1, BLUE/BROWN EYES; EYE COLOR 3; EYE COLOR, BLUE/NONBLUE; EYE COLOR, BROWN/BLUE; HAIR COLOR 3. Identifiers: MedGen C1856895, OMIM 227220.
Tyrosinase-positive oculocutaneous albinism (OCA2). Also called: Albinism, oculocutaneous, type II; Oculocutaneous albinism type 2; ALBINISM II. Identifiers: Orphanet 79432, MedGen C0268495, MONDO:0008746, OMIM 203200.

Allele frequency attached by ClinVar (database versions not stated): gnomAD exomes below 0.00001; ExAC 0.00001; gnomAD 0.00003 and 0.00004; TOPMed 0.00003.
gnomAD v4.1: 6 of 1,613,414 alleles (0.00037%); highest among the groups gnomAD compares: African/African-American, 0.008%; no homozygotes.

Submissions (5):

GeneDx
Classification: Pathogenic. Last evaluated: 2025-01-21. Review status: criteria provided, single submitter. Criteria: GeneDx Variant Classification Process June 2021. Collection method: clinical testing. Allele origin: germline. Affected: yes.
Comment: Canonical splice site variant predicted to result in a null allele in a gene for which loss-of-function is a known mechanism of disease; Not observed at significant frequency in large population cohorts (gnomAD); This variant is associated with the following publications: (PMID: 29345414)

Labcorp Genetics (formerly Invitae), Labcorp
Classification: Pathogenic. Last evaluated: 2024-10-22. Review status: criteria provided, single submitter. Criteria: Invitae Variant Classification Sherloc (09022015). Collection method: clinical testing. Allele origin: germline.
Comment: This sequence change affects a donor splice site in intron 22 of the OCA2 gene. It is expected to disrupt RNA splicing. Variants that disrupt the donor or acceptor splice site typically lead to a loss of protein function (PMID: 16199547), and loss-of-function variants in OCA2 are known to be pathogenic (PMID: 19865097, 21541274). This variant is present in population databases (rs770635415, gnomAD 0.007%). Disruption of this splice site has been observed in individual(s) with oculocutaneous albinism (PMID: 29345414). In at least one individual the data is consistent with being in trans (on the opposite chromosome) from a pathogenic variant. ClinVar contains an entry for this variant (Variation ID: 1439928). Algorithms developed to predict the effect of sequence changes on RNA splicing suggest that this variant may disrupt the consensus splice site. For these reasons, this variant has been classified as Pathogenic.

Fulgent Genetics
Classification: Pathogenic for Tyrosinase-positive oculocutaneous albinism; SKIN/HAIR/EYE PIGMENTATION 1, BLUE/NONBLUE EYES. Last evaluated: 2024-04-11. Review status: criteria provided, single submitter. Criteria: ACMG Guidelines, 2015. Collection method: clinical testing. Allele origin: germline.

Baylor Genetics
Classification: Pathogenic for SKIN/HAIR/EYE PIGMENTATION 1, BLUE/NONBLUE EYES. Last evaluated: 2023-09-14. Review status: criteria provided, single submitter. Criteria: ACMG Guidelines, 2015. Collection method: clinical testing. Allele origin: unknown.

Blueprint Genetics
Classification: Pathogenic for OCA2-related disorders. Last evaluated: 2022-10-07. Review status: criteria provided, single submitter. Criteria: ACMG Guidelines, 2015. Collection method: clinical testing. Allele origin: germline. Affected: yes. Observed: 1 variant allele.

Literature cited by the submitters: PubMed 16199547 (cited by Labcorp Genetics (formerly Invitae), Labcorp); PubMed 19865097 (cited by Labcorp Genetics (formerly Invitae), Labcorp); PubMed 21541274 (cited by Labcorp Genetics (formerly Invitae), Labcorp); PubMed 29345414 (cited by Labcorp Genetics (formerly Invitae), Labcorp).